The following is an entry in ClinVar:

ClinVar aggregate classification (germline): Likely benign (1 of 4 stars; one submission).

Allele frequency attached by ClinVar (database versions not stated): gnomAD exomes below 0.00001.
gnomAD v4.1: 1 of 1,614,062 alleles (0.000062%); highest among the groups gnomAD compares: Non-Finnish European, 0.000085%; no homozygotes.

Submission:

GeneDx
Classification: Likely benign. Last evaluated: 2016-08-25. Review status: criteria provided, single submitter. Criteria: GeneDx Variant Classification (06012015). Collection method: clinical testing. Allele origin: germline. Affected: yes.
Comment: This variant is considered likely benign or benign based on one or more of the following criteria: it is a conservative change, it occurs at a poorly conserved position in the protein, it is predicted to be benign by multiple in silico algorithms, and/or has population frequency not consistent with disease.

NM_001083962.2(TCF4):c.1351-17T>A

Genes: TCF4 (transcription factor 4; minus strand), LOC121627832 (Sharpr-MPRA regulatory region 5538; plus strand). Cytogenetic location: 18q21.2.
Variant type: single nucleotide variant.
Coding change: c.1351-17T>A on transcript NM_001083962.2 (MANE Select); 17 bases into the intron before coding-DNA position 1351, T replaced by A.
Molecular consequence: intron variant.
Genome position (GRCh38, 1-based): chr18:55,234,700, A>T on the plus strand (T>A on the coding strand, the complement: TCF4 is on the minus strand). VCF-style: chr18-55234700-A-T. GRCh37 (hg19) VCF-style: chr18-52901931-A-T.
Other names: c.1657-17T>A (NM_001243226.3); c.1276-17T>A (NM_001369584.1, NM_001369576.1, NM_001369577.1 and 6 more transcripts); c.1279-17T>A (NM_001369582.1, NM_001243227.2, NM_001369583.1 and 5 more transcripts); c.1282-17T>A (NM_001369586.1); c.1351-17T>A (NM_001369571.1, NM_001369567.1, NM_001369572.1 and 2 more transcripts); c.1369-17T>A (NM_001243228.2); c.1342-17T>A (NM_001243230.2); c.1348-17T>A (NM_001369569.1, NM_001369573.1, NM_001369570.1 and 2 more transcripts); and 6 more.
Identifiers: ClinVar variation 388952 (VCV000388952.1), dbSNP rs1057523285, ClinGen allele CA16607624.